The following is an entry in ClinVar:

ClinVar aggregate classification (germline): Uncertain significance (1 of 4 stars; one submission).

Conditions:
Weiss-Kruszka syndrome. Also called: Metopic ridging-ptosis-facial dysmorphism syndrome. Identifiers: Orphanet 502430, MedGen C5568107, MONDO:0032836, OMIM 618619.

gnomAD v4.1: 1 of 1,614,110 alleles (0.000062%); no homozygotes.

Submission:

Juno Genomics, Hangzhou Juno Genomics, Inc
Classification: Uncertain significance for Weiss-Kruszka syndrome. Review status: criteria provided, single submitter. Criteria: ACMG Guidelines, 2015. Collection method: clinical testing. Allele origin: germline.
Comment: Absent from controls (or at extremely low frequency if recessive) in Genome Aggregation Database.;Missense variant in a gene that has a low rate of benign missense variation.

NM_021224.6(ZNF462):c.5162A>G (p.Asp1721Gly)

Gene: ZNF462 (zinc finger protein 462; plus strand). Cytogenetic location: 9q31.2.
Variant type: single nucleotide variant.
Coding change: c.5162A>G on transcript NM_021224.6 (MANE Select); coding-DNA position 5162, A replaced by G.
Protein change: p.Asp1721Gly; replaces aspartic acid 1721 with glycine.
Molecular consequence: missense variant. On other transcripts: intron variant (1).
Genome position (GRCh38, 1-based): chr9:106,929,074, A>G. VCF-style: chr9-106929074-A-G. GRCh37 (hg19) VCF-style: chr9-109691355-A-G.
Other names: c.3253-1451A>G (NM_001347997.2); short protein forms D1721G.
Identifiers: ClinVar variation 5007370 (VCV005007370.2).